The following is an entry in ClinVar:

NC_000005.9:g.(?_33984284)_(33986409_?)del

Gene: SLC45A2 (solute carrier family 45 member 2; minus strand). Cytogenetic location: 5p13.2.
Variant type: Deletion.
Identifiers: ClinVar variation 3246523 (VCV003246523.1).

ClinVar aggregate classification (germline): Pathogenic (1 of 4 stars; one submission).

Submission:

Labcorp Genetics (formerly Invitae), Labcorp
Classification: Pathogenic. Last evaluated: 2023-08-17. Review status: criteria provided, single submitter. Criteria: Invitae Variant Classification Sherloc (09022015). Collection method: clinical testing. Allele origin: unknown.
Comment: For these reasons, this variant has been classified as Pathogenic. This variant has not been reported in the literature in individuals affected with SLC45A2-related conditions. This variant is a gross deletion of the genomic region encompassing exon(s) 1 of the SLC45A2 gene, which includes the initiator codon. This deletion extends beyond the assayed region for this gene and therefore may encompass additional genes. It is expected to result in an absent or disrupted protein product. Loss-of-function variants in SLC45A2 are known to be pathogenic (PMID: 21458243, 26573111).

Literature cited by the submitters: PubMed 21458243; PubMed 26573111.